The following is an entry in ClinVar:

NM_001366110.1(PAX4):c.508G>A (p.Gly170Ser)

Gene: PAX4 (paired box 4; minus strand). Cytogenetic location: 7q32.1.
Variant type: single nucleotide variant.
Coding change: c.508G>A on transcript NM_001366110.1 (MANE Select); coding-DNA position 508, G replaced by A.
Protein change: p.Gly170Ser; replaces glycine 170 with serine.
Molecular consequence: missense variant.
Genome position (GRCh38, 1-based): chr7:127,613,810, C>T on the plus strand (G>A on the coding strand, the complement: PAX4 is on the minus strand). VCF-style: chr7-127613810-C-T. GRCh37 (hg19) VCF-style: chr7-127253864-C-T.
Other names: c.508G>A, p.Gly170Ser (NM_001366111.1); short protein forms G170S.
Identifiers: ClinVar variation 2167862 (VCV002167862.4), dbSNP rs1370643668, ClinGen allele CA369174466.

ClinVar aggregate classification (germline): Uncertain significance (1 of 4 stars; one submission).

Allele frequency attached by ClinVar (database versions not stated): gnomAD 0.00001; gnomAD exomes 0.00001; TOPMed 0.00002.
gnomAD v4.1: 19 of 1,613,838 alleles (0.0012%); highest among the groups gnomAD compares: Admixed American, 0.005%; no homozygotes.

Submission:

Labcorp Genetics (formerly Invitae), Labcorp
Classification: Uncertain significance. Last evaluated: 2022-09-27. Review status: criteria provided, single submitter. Criteria: Invitae Variant Classification Sherloc (09022015). Collection method: clinical testing. Allele origin: germline.
Comment: This sequence change replaces glycine, which is neutral and non-polar, with serine, which is neutral and polar, at codon 162 of the PAX4 protein (p.Gly162Ser). This variant is present in population databases (no rsID available, gnomAD 0.009%). This variant has not been reported in the literature in individuals affected with PAX4-related conditions. Algorithms developed to predict the effect of missense changes on protein structure and function output the following: SIFT: "Tolerated"; PolyPhen-2: "Benign"; Align-GVGD: "Class C0". The serine amino acid residue is found in multiple mammalian species, which suggests that this missense change does not adversely affect protein function. In summary, the available evidence is currently insufficient to determine the role of this variant in disease. Therefore, it has been classified as a Variant of Uncertain Significance.